The following is an entry in ClinVar:

ClinVar aggregate classification (germline): Uncertain significance. Review status: criteria provided, multiple submitters, no conflicts (2 of 4 stars). 2 submissions from 2 submitters: Uncertain significance (2). Last evaluated 2024-09-12.

Conditions:
Autosomal recessive ataxia, Beauce type. Also called: Spinocerebellar ataxia, autosomal recessive 8; ATAXIA, RECESSIVE, OF BEAUCE; SYNE1 Deficiency; SYNE1-Related Autosomal Recessive Cerebellar Ataxia. Identifiers: Orphanet 88644, MedGen C1853116, MONDO:0012549, OMIM 610743.
Emery-Dreifuss muscular dystrophy 4, autosomal dominant (EDMD4). Also called: EMERY-DREIFUSS MUSCULAR DYSTROPHY 4 WITH VARIABLE FEATURES. Identifiers: Orphanet 261, MedGen C2751807, MONDO:0013071, OMIM 612998.

Submissions (2):

Labcorp Genetics (formerly Invitae), Labcorp
Classification: Uncertain significance for Emery-Dreifuss muscular dystrophy 4, autosomal dominant; Autosomal recessive ataxia, Beauce type. Last evaluated: 2024-09-12. Review status: criteria provided, single submitter. Criteria: Invitae Variant Classification Sherloc (09022015). Collection method: clinical testing. Allele origin: germline.
Comment: This sequence change replaces glutamic acid, which is acidic and polar, with glycine, which is neutral and non-polar, at codon 1913 of the SYNE1 protein (p.Glu1913Gly). This variant is not present in population databases (gnomAD no frequency). This variant has not been reported in the literature in individuals affected with SYNE1-related conditions. ClinVar contains an entry for this variant (Variation ID: 1256380). An algorithm developed to predict the effect of missense changes on protein structure and function (PolyPhen-2) suggests that this variant is likely to be tolerated. In summary, the available evidence is currently insufficient to determine the role of this variant in disease. Therefore, it has been classified as a Variant of Uncertain Significance.

Athena Diagnostics
Classification: Uncertain significance. Last evaluated: 2021-05-05. Review status: criteria provided, single submitter. Criteria: Athena Diagnostics criteria. Collection method: clinical testing. Allele origin: unknown.

NM_182961.4(SYNE1):c.5717A>G (p.Glu1906Gly)

Gene: SYNE1 (spectrin repeat containing nuclear envelope protein 1; minus strand). Cytogenetic location: 6q25.2.
Variant type: single nucleotide variant.
Coding change: c.5717A>G on transcript NM_182961.4 (MANE Select); coding-DNA position 5717, A replaced by G.
Protein change: p.Glu1906Gly; replaces glutamic acid 1906 with glycine.
Molecular consequence: missense variant.
Genome position (GRCh38, 1-based): chr6:152,416,720, T>C on the plus strand (A>G on the coding strand, the complement: SYNE1 is on the minus strand). VCF-style: chr6-152416720-T-C. GRCh37 (hg19) VCF-style: chr6-152737855-T-C.
Other names: c.5738A>G, p.Glu1913Gly (NM_033071.5); short protein forms E1906G, E1913G.
Identifiers: ClinVar variation 1256380 (VCV001256380.6), dbSNP rs2154182301, ClinGen allele CA366132926.
Genomic context (GRCh38, chr6:152,416,720, plus strand): 5'-AGACTGACGGCAGCAGATTCTAATGCTTTAGCATTTTGAAGAGCATCATTGAGGTCCTTT[T>C]CTATCAAATCAGACTCGTTCTTATTCATACTGTTGGTTGCTTCCACTGTTTGCCTCAGCT-3'
Protein context (NP_892006.3, residues 1896-1916): SMNKNESDLI[Glu1906Gly]KDLNDALQNA